The following is an entry in ClinVar:

NM_001369.3(DNAH5):c.12224del (p.Met4075fs)

Gene: DNAH5 (dynein axonemal heavy chain 5; minus strand). Cytogenetic location: 5p15.2.
Variant type: Deletion.
Coding change: c.12224del on transcript NM_001369.3 (MANE Select); coding-DNA position 12224, one base deleted (T; older notation c.12224delT).
Protein change: p.Met4075fs; shifts the reading frame from methionine 4075.
Molecular consequence: frameshift variant.
Genome position (GRCh38, 1-based): chr5:13,721,055, A deleted on the plus strand (T on the coding strand, the reverse complement: DNAH5 is on the minus strand). VCF-style (leftmost placement, unchanged base first): chr5-13721054-CA-C. GRCh37 (hg19) VCF-style: chr5-13721163-CA-C.
Other names: short protein forms M4075fs.
Identifiers: ClinVar variation 948013 (VCV000948013.8), dbSNP rs1744987309, ClinGen allele CA1139658747.
Genomic context (GRCh38, chr5:13,721,054, plus strand): 5'-CCTTACGTTCGCCATGGTCTGCTGCAAGAGCTTCCGAGCATGGACTTCCTGGCCCTGGCC[CA>C]TGGACACATAACGGGTTTCTATTTTTAATCTCTTCCCCAAGGCAATGATGGAATCTGTGG-3'

ClinVar aggregate classification (germline): Pathogenic (1 of 4 stars; one submission).

Conditions:
Primary ciliary dyskinesia. Also called: Ciliary dyskinesia. Identifiers: Orphanet 244, MedGen C0008780, MONDO:0016575, HP:0012265.

Submission:

Labcorp Genetics (formerly Invitae), Labcorp
Classification: Pathogenic for Primary ciliary dyskinesia. Last evaluated: 2024-10-23. Review status: criteria provided, single submitter. Criteria: Invitae Variant Classification Sherloc (09022015). Collection method: clinical testing. Allele origin: germline.
Comment: This sequence change creates a premature translational stop signal (p.Met4075Argfs*38) in the DNAH5 gene. It is expected to result in an absent or disrupted protein product. Loss-of-function variants in DNAH5 are known to be pathogenic (PMID: 11788826, 16627867). This variant is not present in population databases (gnomAD no frequency). This variant has not been reported in the literature in individuals affected with DNAH5-related conditions. ClinVar contains an entry for this variant (Variation ID: 948013). For these reasons, this variant has been classified as Pathogenic.

Literature cited by the submitters: PubMed 11788826; PubMed 16627867.